The following is an entry in ClinVar:

ClinVar aggregate classification (germline): Likely benign. Review status: criteria provided, multiple submitters, no conflicts (2 of 4 stars). 2 submissions from 2 submitters: Likely benign (2). Last evaluated 2025-09-21.

Conditions:
Familial cancer of breast. Also called: Hereditary breast cancer; hereditary breast carcinoma; BREAST CANCER, FAMILIAL. Identifiers: Orphanet 227535, MedGen C0346153, MONDO:0016419, OMIM 114480. Disease mechanism: loss of function.
Ataxia-telangiectasia syndrome (AT). Also called: Cerebello-oculocutaneous telangiectasia; Immunodeficiency with ataxia telangiectasia; Ataxia-telangiectasia, complementation group E; Ataxia telangiectasia (A-T); AT, COMPLEMENTATION GROUP C; ATAXIA-TELANGIECTASIA, COMPLEMENTATION GROUP A. Identifiers: Orphanet 100, MedGen C0004135, MONDO:0008840, OMIM 208900.

Submissions (2):

Labcorp Genetics (formerly Invitae), Labcorp
Classification: Likely benign for Ataxia-telangiectasia syndrome. Last evaluated: 2025-09-21. Review status: criteria provided, single submitter. Criteria: Invitae Variant Classification Sherloc (09022015). Collection method: clinical testing. Allele origin: germline.

Myriad Genetics, Inc.
Classification: Likely benign for Familial cancer of breast. Last evaluated: 2024-05-23. Review status: criteria provided, single submitter. Criteria: Myriad Autosomal Dominant, Autosomal Recessive and X-Linked Classification Criteria (2023). Collection method: clinical testing. Allele origin: unknown.
Comment: This variant is considered likely benign. This variant is intronic and is not expected to impact mRNA splicing.

NM_000051.4(ATM):c.5320-12C>T

Gene: ATM (ATM serine/threonine kinase; plus strand). Cytogenetic location: 11q22.3.
Variant type: single nucleotide variant.
Coding change: c.5320-12C>T on transcript NM_000051.4 (MANE Select); 12 bases into the intron before coding-DNA position 5320, C replaced by T.
Molecular consequence: intron variant.
Genome position (GRCh38, 1-based): chr11:108,302,841, C>T. VCF-style: chr11-108302841-C-T. GRCh37 (hg19) VCF-style: chr11-108173568-C-T.
Other names: c.5320-12C>T (NM_001351834.2).
Identifiers: ClinVar variation 2899005 (VCV002899005.4), dbSNP rs2083494676, ClinGen allele CA2725001818.
Genomic context (GRCh38, chr11:108,302,841, plus strand): 5'-CTCATTTTGTGTAGGAAAGGTACAATGATTTCCACTTCTCTTATTTACATTTTCTAATCC[C>T]TTTCTTTCTAGTTTTTAGAAGTACCCAGATTTGACAAAGAAAACCCTTTTGAAGGCCTGG-3'